The following is an entry in ClinVar:

NM_001843.4(CNTN1):c.908A>C (p.Glu303Ala)

Gene: CNTN1 (contactin 1; plus strand). Cytogenetic location: 12q12.
Variant type: single nucleotide variant.
Coding change: c.908A>C on transcript NM_001843.4 (MANE Select); coding-DNA position 908, A replaced by C.
Protein change: p.Glu303Ala; replaces glutamic acid 303 with alanine.
Molecular consequence: missense variant.
Genome position (GRCh38, 1-based): chr12:40,933,801, A>C. VCF-style: chr12-40933801-A-C. GRCh37 (hg19) VCF-style: chr12-41327603-A-C.
Other names: c.908A>C, p.Glu303Ala (NM_001256063.2, NM_001256064.2); c.875A>C, p.Glu292Ala (NM_175038.2); short protein forms E292A, E303A.
Identifiers: ClinVar variation 1023088 (VCV001023088.9), dbSNP rs1283320182, ClinGen allele CA384423365.

ClinVar aggregate classification (germline): Uncertain significance (1 of 4 stars; one submission).

Conditions:
Compton-North congenital myopathy (CMYO12). Identifiers: Orphanet 210163, MedGen C2675527, MONDO:0012929, OMIM 612540.

Allele frequency attached by ClinVar (database versions not stated): gnomAD exomes below 0.00001.
gnomAD v4.1: 1 of 1,612,732 alleles (0.000062%); highest among the groups gnomAD compares: Non-Finnish European, 0.000085%; no homozygotes.

Submission:

Labcorp Genetics (formerly Invitae), Labcorp
Classification: Uncertain significance for Compton-North congenital myopathy. Last evaluated: 2022-07-18. Review status: criteria provided, single submitter. Criteria: Invitae Variant Classification Sherloc (09022015). Collection method: clinical testing. Allele origin: germline.
Comment: In summary, the available evidence is currently insufficient to determine the role of this variant in disease. Therefore, it has been classified as a Variant of Uncertain Significance. Advanced modeling of protein sequence and biophysical properties (such as structural, functional, and spatial information, amino acid conservation, physicochemical variation, residue mobility, and thermodynamic stability) performed at Invitae indicates that this missense variant is not expected to disrupt CNTN1 protein function. ClinVar contains an entry for this variant (Variation ID: 1023088). This variant has not been reported in the literature in individuals affected with CNTN1-related conditions. This variant is present in population databases (no rsID available, gnomAD 0.0009%). This sequence change replaces glutamic acid, which is acidic and polar, with alanine, which is neutral and non-polar, at codon 303 of the CNTN1 protein (p.Glu303Ala).